The following is an entry in ClinVar:

NM_001384732.1(CPLANE1):c.1388_1389delinsCT (p.Leu463Pro)

Gene: CPLANE1 (ciliogenesis and planar polarity effector complex subunit 1; minus strand). Cytogenetic location: 5p13.2.
Variant type: Indel.
Coding change: c.1388_1389delinsCT on transcript NM_001384732.1 (MANE Select); coding-DNA positions 1388 to 1389, TG replaced by CT.
Protein change: p.Leu463Pro; replaces leucine 463 with proline.
Molecular consequence: missense variant.
Genome position (GRCh38, 1-based): chr5:37,227,375-37,227,376, CA replaced by AG on the plus strand (TG replaced by CT on the coding strand, the reverse complement: CPLANE1 is on the minus strand). VCF-style: chr5-37227375-CA-AG. GRCh37 (hg19) VCF-style: chr5-37227477-CA-AG.
Other names: c.1388_1389delinsCT, p.Leu463Pro (NM_023073.4); short protein forms L463P.
Identifiers: ClinVar variation 1678664 (VCV001678664.4), dbSNP rs2150449247, ClinGen allele CA2573139657.

ClinVar aggregate classification (germline): Uncertain significance. Review status: criteria provided, multiple submitters, no conflicts (2 of 4 stars). 3 submissions from 3 submitters: Uncertain significance (3). Last evaluated 2024-06-19.

Conditions:
Joubert syndrome 17 (JBTS17). Identifiers: Orphanet 475, MedGen C3553264, MONDO:0013824, OMIM 614615.
Orofaciodigital syndrome type 6 (OFD6). Also called: OROFACIODIGITAL SYNDROME VI; OFDS VI; POLYDACTYLY, CLEFT LIP/PALATE OR LINGUAL LUMP, AND PSYCHOMOTOR RETARDATION; VARADI SYNDROME; VARADI-PAPP SYNDROME; Oral-facial-digital syndrome type 6. Identifiers: Orphanet 2754, MedGen C2745997, MONDO:0010176, OMIM 277170.

Submissions (3):

Fulgent Genetics
Classification: Uncertain significance for Orofaciodigital syndrome type 6; Joubert syndrome 17. Last evaluated: 2024-06-19. Review status: criteria provided, single submitter. Criteria: ACMG Guidelines, 2015. Collection method: clinical testing. Allele origin: germline.

GeneDx
Classification: Uncertain significance. Last evaluated: 2022-04-23. Review status: criteria provided, single submitter. Criteria: GeneDx Variant Classification Process June 2021. Collection method: clinical testing. Allele origin: germline. Affected: yes.
Comment: In silico analysis supports a deleterious effect on protein structure/function; Has not been previously published as pathogenic or benign to our knowledge

Labcorp Genetics (formerly Invitae), Labcorp
Classification: Uncertain significance. Last evaluated: 2022-04-21. Review status: criteria provided, single submitter. Criteria: Invitae Variant Classification Sherloc (09022015). Collection method: clinical testing. Allele origin: germline.
Comment: This sequence change replaces leucine, which is neutral and non-polar, with proline, which is neutral and non-polar, at codon 463 of the CPLANE1 protein (p.Leu463Pro). Information on the frequency of this variant in the gnomAD database is not available, as this variant may be reported differently in the database. This variant has not been reported in the literature in individuals affected with CPLANE1-related conditions. Algorithms developed to predict the effect of missense changes on protein structure and function are either unavailable or do not agree on the potential impact of this missense change (SIFT: "Not Available"; PolyPhen-2: "Probably Damaging"; Align-GVGD: "Not Available"). In summary, the available evidence is currently insufficient to determine the role of this variant in disease. Therefore, it has been classified as a Variant of Uncertain Significance.